The following is an entry in ClinVar:

NM_030962.4(SBF2):c.2304C>T (p.Leu768=)

Genes: SBF2 (SET binding factor 2; minus strand), LOC101928008 (uncharacterized LOC101928008; plus strand). Cytogenetic location: 11p15.4.
Variant type: single nucleotide variant.
Coding change: c.2304C>T on transcript NM_030962.4 (MANE Select); coding-DNA position 2304, C replaced by T.
Protein change: p.Leu768=; no amino-acid change (leucine 768 retained).
Molecular consequence: synonymous variant.
Genome position (GRCh38, 1-based): chr11:9,856,517, G>A on the plus strand (C>T on the coding strand, the complement: SBF2 is on the minus strand). VCF-style: chr11-9856517-G-A. GRCh37 (hg19) VCF-style: chr11-9878064-G-A.
Other names: c.2304C>T (NM_030962.3); c.2304C>T, p.Leu768= (NM_001386339.1); c.2175C>T, p.Leu725= (NM_001386342.1).
Identifiers: ClinVar variation 1126840 (VCV001126840.10), dbSNP rs758341369, ClinGen allele CA5881593.

ClinVar aggregate classification (germline): Likely benign. Review status: criteria provided, multiple submitters, no conflicts (2 of 4 stars). 2 submissions from 2 submitters: Likely benign (2). Last evaluated 2026-02-09.

Conditions:
SBF2-related disorder. Also called: SBF2-related condition.
Charcot-Marie-Tooth disease type 4. Also called: Charcot-Marie-Tooth, Type 4; Charcot-Marie-Tooth disease, type IV. Identifiers: Orphanet 64749, MedGen C4082197, MONDO:0018995.

Allele frequency attached by ClinVar (database versions not stated): gnomAD exomes 0.00001 and 0.00005; gnomAD 0.00002; TOPMed 0.00003; ExAC 0.00004.
gnomAD v4.1: 22 of 1,614,030 alleles (0.0014%); highest among the groups gnomAD compares: Admixed American, 0.03%; no homozygotes.

Submissions (2):

PreventionGenetics, part of Exact Sciences
Classification: Likely benign for SBF2-related condition. Last evaluated: 2026-02-09. Review status: criteria provided, single submitter. Criteria: ACMG Guidelines, 2015. Collection method: clinical testing. Allele origin: germline.
Comment: This variant is classified as likely benign based on ACMG/AMP sequence variant interpretation guidelines (Richards et al. 2015 PMID: 25741868, with internal and published modifications).

Labcorp Genetics (formerly Invitae), Labcorp
Classification: Likely benign for Charcot-Marie-Tooth disease type 4. Last evaluated: 2025-02-18. Review status: criteria provided, single submitter. Criteria: Invitae Variant Classification Sherloc (09022015). Collection method: clinical testing. Allele origin: germline.